The following is an entry in ClinVar:

NM_007294.4(BRCA1):c.134+20G>A

Gene: BRCA1 (BRCA1 DNA repair associated; minus strand). Cytogenetic location: 17q21.31.
Variant type: single nucleotide variant.
Coding change: c.134+20G>A on transcript NM_007294.4 (MANE Select); 20 bases into the intron after coding-DNA position 134, G replaced by A.
Molecular consequence: intron variant.
Genome position (GRCh38, 1-based): chr17:43,115,706, C>T on the plus strand (G>A on the coding strand, the complement: BRCA1 is on the minus strand). VCF-style: chr17-43115706-C-T. GRCh37 (hg19) VCF-style: chr17-41267723-C-T.
Other names: c.-8+20G>A (NM_001408458.1, NM_001408470.1, NM_001407848.1 and 47 more transcripts); c.-219+9571G>A (NM_001407967.1); c.-170+9571G>A (NM_001407959.1); c.-7-9173G>A (NM_001407931.1, NM_001407747.1, NM_001408511.1 and 2 more transcripts); c.-170+20G>A (NM_001407962.1, NM_001408512.1, NM_001408510.1 and 1 more transcripts); c.-55+20G>A (NM_001407885.1, NM_001407886.1, NM_001408509.1 and 52 more transcripts); c.-124+20G>A (NM_001407746.1, NM_001408468.1, NM_001407842.1 and 13 more transcripts); c.-8+8311G>A (NM_001408461.1, NM_001407738.1, NM_001407932.1 and 23 more transcripts); and 10 more.
Identifiers: ClinVar variation 865168 (VCV000865168.3), dbSNP rs2055237738, ClinGen allele CA916080944.
Genomic context (GRCh38, chr17:43,115,706, plus strand): 5'-TATAAAGTTAGGTGTTTCCTGGGTTATGAAGGACAAAAACAAAAGCTAATAATGGAGCCA[C>T]ATAACACATTCAAACTTACTTGCAAAATATGTGGTCACACTTTGTGGAGACAGGTTCCTT-3'

Conditions:
Breast-ovarian cancer, familial, susceptibility to, 1 (BROVCA1). Also called: BRCA1 Hereditary Breast and Ovarian Cancer; OVARIAN CANCER, SUSCEPTIBILITY TO. Identifiers: Orphanet 145, MedGen C2676676, MONDO:0011450, OMIM 604370. Disease mechanism: loss of function.

Allele frequency attached by ClinVar (database versions not stated): gnomAD exomes below 0.00001.
gnomAD v4.1: 6 of 1,610,526 alleles (0.00037%); highest among the groups gnomAD compares: Non-Finnish European, 0.00042%; no homozygotes.

Submission:

Brotman Baty Institute, University of Washington
No classification provided (evidence only). Condition: Breast-ovarian cancer, familial 1. Review status: no classification provided. Collection method: in vitro. Allele origin: not applicable. Functional consequence: functionally_normal.
ClinVar note: "not provided" was previously submitted as the classification for the variant. However, the classification appeared to be based only on an observation of functional data so it was converted to no classification on 2025-07-30.